The following is an entry in ClinVar:

ClinVar aggregate classification (germline): Likely pathogenic (1 of 4 stars; one submission).

Conditions:
Renal carnitine transport defect (CDSP). Also called: Carnitine transporter deficiency; Systemic primary carnitine deficiency disease; Primary carnitine deficiency; CARNITINE DEFICIENCY, SYSTEMIC, DUE TO DEFECT IN RENAL REABSORPTION OF CARNITINE; CARNITINE TRANSPORTER, PLASMA-MEMBRANE, DEFICIENCY OF; CARNITINE UPTAKE DEFECT. Identifiers: Orphanet 158, MedGen C0342788, MONDO:0008919, OMIM 212140.

Allele frequency attached by ClinVar (database versions not stated): ExAC below 0.00001; TOPMed below 0.00001.

Submission:

Labcorp Genetics (formerly Invitae), Labcorp
Classification: Likely pathogenic for Renal carnitine transport defect. Last evaluated: 2023-10-13. Review status: criteria provided, single submitter. Criteria: Invitae Variant Classification Sherloc (09022015). Collection method: clinical testing. Allele origin: germline.
Comment: This sequence change replaces arginine, which is basic and polar, with cysteine, which is neutral and slightly polar, at codon 83 of the SLC22A5 protein (p.Arg83Cys). This variant is not present in population databases (gnomAD no frequency). This variant has not been reported in the literature in individuals affected with SLC22A5-related conditions. ClinVar contains an entry for this variant (Variation ID: 578671). Advanced modeling of protein sequence and biophysical properties (such as structural, functional, and spatial information, amino acid conservation, physicochemical variation, residue mobility, and thermodynamic stability) performed at Invitae indicates that this missense variant is expected to disrupt SLC22A5 protein function. This variant disrupts the p.Arg83 amino acid residue in SLC22A5. Other variant(s) that disrupt this residue have been determined to be pathogenic (PMID: 15617188, 16652335, 20574985, 21126579, 21922592, 27931018). This suggests that this residue is clinically significant, and that variants that disrupt this residue are likely to be disease-causing. In summary, the currently available evidence indicates that the variant is pathogenic, but additional data are needed to prove that conclusively. Therefore, this variant has been classified as Likely Pathogenic.

Literature cited by the submitters: PubMed 15617188; PubMed 16652335; PubMed 20574985; PubMed 21126579; PubMed 21922592; PubMed 27931018.

NM_003060.4(SLC22A5):c.247C>T (p.Arg83Cys)

Gene: SLC22A5 (solute carrier family 22 member 5; plus strand). Cytogenetic location: 5q31.1.
Variant type: single nucleotide variant.
Coding change: c.247C>T on transcript NM_003060.4 (MANE Select); coding-DNA position 247, C replaced by T.
Protein change: p.Arg83Cys; replaces arginine 83 with cysteine.
Molecular consequence: missense variant.
Genome position (GRCh38, 1-based): chr5:132,370,219, C>T. VCF-style: chr5-132370219-C-T. GRCh37 (hg19) VCF-style: chr5-131705911-C-T.
Other names: c.247C>T, p.Arg83Cys (NM_001308122.2); short protein forms R83C.
Identifiers: ClinVar variation 578671 (VCV000578671.9), dbSNP rs749499293, ClinGen allele CA3403819.